The following is an entry in ClinVar:

ClinVar aggregate classification (germline): Pathogenic (1 of 4 stars; one submission).

Submission:

Labcorp Genetics (formerly Invitae), Labcorp
Classification: Pathogenic. Last evaluated: 2024-10-30. Review status: criteria provided, single submitter. Criteria: Invitae Variant Classification Sherloc (09022015). Collection method: clinical testing. Allele origin: germline.
Comment: This sequence change creates a premature translational stop signal (p.Tyr416Leufs*8) in the PHEX gene. It is expected to result in an absent or disrupted protein product. Loss-of-function variants in PHEX are known to be pathogenic (PMID: 9097956, 9106524, 19219621). This variant is not present in population databases (gnomAD no frequency). This variant has not been reported in the literature in individuals affected with PHEX-related conditions. For these reasons, this variant has been classified as Pathogenic.

Literature cited by the submitters: PubMed 9097956; PubMed 9106524; PubMed 19219621.

NM_000444.6(PHEX):c.1247del (p.Tyr416fs)

Gene: PHEX (phosphate regulating endopeptidase X-linked; plus strand). Cytogenetic location: Xp22.11.
Variant type: Deletion.
Coding change: c.1247del on transcript NM_000444.6 (MANE Select); coding-DNA position 1247, one base deleted (A; older notation c.1247delA).
Protein change: p.Tyr416fs; shifts the reading frame from tyrosine 416.
Molecular consequence: frameshift variant.
Genome position (GRCh38, 1-based): chrX:22,114,531, A deleted. VCF-style (leftmost placement, unchanged base first): chrX-22114530-TA-T. GRCh37 (hg19) VCF-style: chrX-22132648-TA-T.
Other names: c.1247del, p.Tyr416fs (NM_001282754.2); short protein forms Y416fs.
Identifiers: ClinVar variation 3723988 (VCV003723988.2).
Genomic context (GRCh38, chrX:22,114,530, plus strand): 5'-ACCACAACTTTGCTGCCTCAATGGGACAAATGTGTAAACTTTATTGAAAGTGCCCTCCCT[TA>T]TGTTGTTGGAAAGATGTTTGTAGATGTGTACTTCCAGGAAGATAAGAAGGAAATGGTAAG-3'